The following is an entry in ClinVar:

ClinVar aggregate classification (germline): Likely benign. Review status: criteria provided, multiple submitters, no conflicts (2 of 4 stars). 2 submissions from 2 submitters: Likely benign (2). Last evaluated 2024-09-04.

Conditions:
Methylmalonic acidemia with homocystinuria, type cblX (MAHCX). Also called: INTELLECTUAL DEVELOPMENTAL DISORDER, X-LINKED 3. Identifiers: Orphanet 369962, MedGen C0796208, MONDO:0010657, OMIM 309541.

Allele frequency attached by ClinVar (database versions not stated): gnomAD 0.00001; gnomAD exomes 0.00001.
gnomAD v4.1: 9 of 1,205,027 alleles (0.00075%); highest among the groups gnomAD compares: South Asian, 0.0053%; no homozygotes.

Submissions (2):

Women's Health and Genetics/Laboratory Corporation of America, LabCorp
Classification: Likely benign. Last evaluated: 2024-09-04. Review status: criteria provided, single submitter. Criteria: LabCorp Variant Classification Summary - May 2015. Collection method: clinical testing. Allele origin: germline.
Comment: Variant summary: HCFC1 c.526C>T alters a conserved nucleotide resulting in a synonymous change. The variant allele was found at a frequency of 5.5e-06 in 180949 control chromosomes. The available data on variant occurrences in the general population are insufficient to allow any conclusion about variant significance. To our knowledge, no occurrence of c.526C>T in individuals affected with Methylmalonic Acidemia With Homocystinuria and no experimental evidence demonstrating its impact on protein function have been reported. ClinVar contains an entry for this variant (Variation ID: 2733133). Based on the evidence outlined above, the variant was classified as likely benign.

Labcorp Genetics (formerly Invitae), Labcorp
Classification: Likely benign for Methylmalonic acidemia with homocystinuria, type cblX. Last evaluated: 2023-11-24. Review status: criteria provided, single submitter. Criteria: Invitae Variant Classification Sherloc (09022015). Collection method: clinical testing. Allele origin: germline.

NM_005334.3(HCFC1):c.526C>T (p.Leu176=)

Gene: HCFC1 (host cell factor C1; minus strand). Cytogenetic location: Xq28.
Variant type: single nucleotide variant.
Coding change: c.526C>T on transcript NM_005334.3 (MANE Select); coding-DNA position 526, C replaced by T.
Protein change: p.Leu176=; no amino-acid change (leucine 176 retained).
Molecular consequence: synonymous variant.
Genome position (GRCh38, 1-based): chrX:153,963,411, G>A on the plus strand (C>T on the coding strand, the complement: HCFC1 is on the minus strand). VCF-style: chrX-153963411-G-A. GRCh37 (hg19) VCF-style: chrX-153228862-G-A.
Other names: c.526C>T, p.Leu176= (NM_001410705.1).
Identifiers: ClinVar variation 2733133 (VCV002733133.4), dbSNP rs1557117512, ClinGen allele CA519269104.